The following is an entry in ClinVar:

ClinVar aggregate classification (germline): Uncertain significance (1 of 4 stars; one submission).

Allele frequency attached by ClinVar (database versions not stated): gnomAD exomes 0.00001; gnomAD 0.00003.
gnomAD v4.1: 22 of 1,613,796 alleles (0.0014%); highest among the groups gnomAD compares: Admixed American, 0.0017%; no homozygotes.

Submission:

Labcorp Genetics (formerly Invitae), Labcorp
Classification: Uncertain significance. Last evaluated: 2022-03-10. Review status: criteria provided, single submitter. Criteria: Invitae Variant Classification Sherloc (09022015). Collection method: clinical testing. Allele origin: germline.
Comment: In summary, the available evidence is currently insufficient to determine the role of this variant in disease. Therefore, it has been classified as a Variant of Uncertain Significance. Experimental studies and prediction algorithms are not available or were not evaluated, and the functional significance of this variant is currently unknown. This variant has not been reported in the literature in individuals affected with COL18A1-related conditions. This variant is present in population databases (no rsID available, gnomAD 0.004%). This sequence change replaces aspartic acid, which is acidic and polar, with asparagine, which is neutral and polar, at codon 436 of the COL18A1 protein (p.Asp436Asn).

NM_001379500.1(COL18A1):c.1306G>A (p.Asp436Asn)

Gene: COL18A1 (collagen type XVIII alpha 1 chain; plus strand). Cytogenetic location: 21q22.3.
Variant type: single nucleotide variant.
Coding change: c.1306G>A on transcript NM_001379500.1 (MANE Select); coding-DNA position 1306, G replaced by A.
Protein change: p.Asp436Asn; replaces aspartic acid 436 with asparagine.
Molecular consequence: missense variant.
Genome position (GRCh38, 1-based): chr21:45,479,959, G>A. VCF-style: chr21-45479959-G-A. GRCh37 (hg19) VCF-style: chr21-46899873-G-A.
Other names: c.1846G>A, p.Asp616Asn (NM_030582.4); c.2551G>A, p.Asp851Asn (NM_130444.3); short protein forms D616N, D436N, D851N.
Identifiers: ClinVar variation 1519720 (VCV001519720.4), dbSNP rs1437988246, ClinGen allele CA410516794.
Genomic context (GRCh38, chr21:45,479,959, plus strand): 5'-CAGGGCGACACCGGGCCACAAGGCTTCCCCGGGACTCCAGGGGACGTAGGTCCCAAGGGC[G>A]ACAAGGTGAGTCTCCGTGGCTGGGTGGGGCCCCTTCCTGTGTTGGCCCTTGGCTCAAGGT-3'
Protein context (NP_001366429.1, residues 426-446): GTPGDVGPKG[Asp436Asn]KGDPGVGERG